The following is an entry in ClinVar:

ClinVar aggregate classification (germline): Pathogenic (1 of 4 stars; one submission).

Submission:

Labcorp Genetics (formerly Invitae), Labcorp
Classification: Pathogenic. Last evaluated: 2023-02-18. Review status: criteria provided, single submitter. Criteria: Invitae Variant Classification Sherloc (09022015). Collection method: clinical testing. Allele origin: unknown.
Comment: For these reasons, this variant has been classified as Pathogenic. This variant disrupts a region of the COL4A4 protein in which other variant(s) (p.Gly774Arg) have been determined to be pathogenic (PMID: 7396119, 26934356, 28632965, 33532864, 34584596). This suggests that this is a clinically significant region of the protein, and that variants that disrupt it are likely to be disease-causing. This variant is a gross deletion of the genomic region encompassing exon(s) 27-28 of the COL4A4 gene. This variant would be expected to be in-frame, preserving the integrity of the reading frame. This variant has not been reported in the literature in individuals affected with COL4A4-related conditions.

Literature cited by the submitters: PubMed 7396119; PubMed 26934356; PubMed 28632965; PubMed 33532864; PubMed 34584596.

NC_000002.11:g.(?_227924101)_(227924979_?)del

Gene: COL4A4 (collagen type IV alpha 4 chain; minus strand). Cytogenetic location: 2q36.3.
Variant type: Deletion.
Identifiers: ClinVar variation 3247451 (VCV003247451.1).